The following is an entry in ClinVar:

ClinVar aggregate classification (germline): Uncertain significance. Review status: criteria provided, multiple submitters, no conflicts (2 of 4 stars). 2 submissions from 2 submitters: Uncertain significance (2). Last evaluated 2026-07-28.

Conditions:
TTN-related disorder. Also called: TTN-related condition; TTN-related disease; TTN-related disorders.

Submissions (2):

PreventionGenetics, part of Exact Sciences
Classification: Uncertain significance for TTN-related condition. Last evaluated: 2026-07-28. Review status: criteria provided, single submitter. Criteria: ACMG Guidelines, 2015. Collection method: clinical testing. Allele origin: germline.
Comment: The TTN c.37448C>A variant is predicted to result in the amino acid substitution p.Pro12483His. To our knowledge, this variant has not been reported in the literature. This variant is reported in 0.017% of alleles in individuals of European (Non-Finnish) descent in gnomAD. This variant falls within a highly paralogous region, and therefore allele frequency data should be interpreted with caution. At this time, the clinical significance of this variant is uncertain due to the absence of conclusive functional and genetic evidence.

Eurofins Ntd Llc (ga)
Classification: Uncertain significance. Last evaluated: 2017-01-11. Review status: criteria provided, single submitter. Criteria: EGL Classification Definitions 2015. Collection method: clinical testing. Allele origin: germline. Observed: 1 variant allele, 1 heterozygote.

NM_001267550.2(TTN):c.37448C>A (p.Pro12483His)

Gene: TTN (titin; minus strand). Cytogenetic location: 2q31.2.
Variant type: single nucleotide variant.
Coding change: c.37448C>A on transcript NM_001267550.2 (MANE Select); coding-DNA position 37448, C replaced by A.
Protein change: p.Pro12483His; replaces proline 12483 with histidine.
Molecular consequence: missense variant. On other transcripts: intron variant (3).
Genome position (GRCh38, 1-based): chr2:178,659,010, G>T on the plus strand (C>A on the coding strand, the complement: TTN is on the minus strand). VCF-style: chr2-178659010-G-T. GRCh37 (hg19) VCF-style: chr2-179523737-G-T.
Other names: c.34517C>A, p.Pro11506His (NM_001256850.1); c.31736C>A, p.Pro10579His (NM_133378.4); c.13283-16693C>A (NM_003319.4); c.13859-16693C>A (NM_133437.4); c.13658-16693C>A (NM_133432.3); short protein forms P10579H, P12483H, P11506H.
Identifiers: ClinVar variation 499607 (VCV000499607.6), dbSNP rs1165799717, ClinGen allele CA349484671.